The following is an entry in ClinVar:

ClinVar aggregate classification (germline): Uncertain significance (1 of 4 stars; one submission).

Conditions:
Early Myoclonic Encephalopathy. Identifiers: MedGen C0270855.

Allele frequency attached by ClinVar (database versions not stated): gnomAD exomes below 0.00001.
gnomAD v4.1: 2 of 1,613,580 alleles (0.00012%); highest among the groups gnomAD compares: Non-Finnish European, 0.00017%; no homozygotes.

Submission:

Labcorp Genetics (formerly Invitae), Labcorp
Classification: Uncertain significance for Early Myoclonic Encephalopathy. Last evaluated: 2024-02-23. Review status: criteria provided, single submitter. Criteria: Invitae Variant Classification Sherloc (09022015). Collection method: clinical testing. Allele origin: germline.
Comment: This sequence change replaces glutamic acid, which is acidic and polar, with lysine, which is basic and polar, at codon 492 of the KCND2 protein (p.Glu492Lys). This variant is not present in population databases (gnomAD no frequency). This variant has not been reported in the literature in individuals affected with KCND2-related conditions. ClinVar contains an entry for this variant (Variation ID: 2097061). Advanced modeling of protein sequence and biophysical properties (such as structural, functional, and spatial information, amino acid conservation, physicochemical variation, residue mobility, and thermodynamic stability) performed at Invitae indicates that this missense variant is not expected to disrupt KCND2 protein function with a negative predictive value of 80%. In summary, the available evidence is currently insufficient to determine the role of this variant in disease. Therefore, it has been classified as a Variant of Uncertain Significance.

NM_012281.3(KCND2):c.1474G>A (p.Glu492Lys)

Gene: KCND2 (potassium voltage-gated channel subfamily D member 2; plus strand). Cytogenetic location: 7q31.31.
Variant type: single nucleotide variant.
Coding change: c.1474G>A on transcript NM_012281.3 (MANE Select); coding-DNA position 1474, G replaced by A.
Protein change: p.Glu492Lys; replaces glutamic acid 492 with lysine.
Molecular consequence: missense variant.
Genome position (GRCh38, 1-based): chr7:120,745,786, G>A. VCF-style: chr7-120745786-G-A. GRCh37 (hg19) VCF-style: chr7-120385840-G-A.
Other names: short protein forms E492K.
Identifiers: ClinVar variation 2097061 (VCV002097061.4), dbSNP rs2485216111, ClinGen allele CA369135307.